The following is an entry in ClinVar:

ClinVar aggregate classification (germline): Pathogenic (1 of 4 stars; one submission).

Conditions:
Cardiovascular phenotype. Identifiers: MedGen CN230736.

Submission:

Molecular Diagnostic Laboratory for Inherited Cardiovascular Disease, Montreal Heart Institute
Classification: Pathogenic for Cardiovascular phenotype. Last evaluated: 2024-12-12. Review status: criteria provided, single submitter. Criteria: ACMG Guidelines, 2015. Collection method: clinical testing. Allele origin: germline. Affected: yes.
Comment: PVS1, PS4_mod, PM2

NM_004006.2:c.(7309+1_7310-1)_(8027+1_8028-1)del

Gene: DMD (dystrophin; minus strand).
Variant type: Deletion.
Identifiers: ClinVar variation 3895421 (VCV003895421.1).